The following is an entry in ClinVar:

ClinVar aggregate classification (germline): Conflicting classifications of pathogenicity. Review status: criteria provided, conflicting classifications (1 of 4 stars). 6 submissions from 6 submitters: Uncertain significance (5); Likely benign (1). Last evaluated 2026-01-02.

Conditions:
Inborn genetic diseases. Identifiers: MedGen C0950123, MeSH D030342.
Bethlem myopathy 1A. Also called: Bethlem myopathy 1; Bethlem Muscular Dystrophy; MYOPATHY, BENIGN CONGENITAL, WITH CONTRACTURES. Identifiers: Orphanet 610, MedGen CN029274, MONDO:0024530, OMIM 158810.

Allele frequency attached by ClinVar (database versions not stated): gnomAD exomes 0.00004 and 0.00018; gnomAD 0.00005; ESP Exome Variant Server 0.00008; TOPMed 0.00009; ExAC 0.00018.
gnomAD v4.1: 62 of 1,612,240 alleles (0.0038%); highest among the groups gnomAD compares: Admixed American, 0.083%; 1 homozygote.

Submissions (6):

Labcorp Genetics (formerly Invitae), Labcorp
Classification: Likely benign for Bethlem myopathy 1A. Last evaluated: 2026-01-02. Review status: criteria provided, single submitter. Criteria: Invitae Variant Classification Sherloc (09022015). Collection method: clinical testing. Allele origin: germline.

Ambry Genetics
Classification: Uncertain significance for Inborn genetic diseases. Last evaluated: 2024-08-05. Review status: criteria provided, single submitter. Criteria: Ambry Variant Classification Scheme 2023. Collection method: clinical testing. Allele origin: germline.

Blueprint Genetics
Classification: Uncertain significance. Last evaluated: 2022-11-24. Review status: criteria provided, single submitter. Criteria: ACMG Guidelines, 2015. Collection method: clinical testing. Allele origin: germline.

Revvity Omics, Revvity
Classification: Uncertain significance. Last evaluated: 2022-05-04. Review status: criteria provided, single submitter. Criteria: ACMG Guidelines, 2015. Collection method: clinical testing. Allele origin: germline.

GeneDx
Classification: Uncertain significance. Last evaluated: 2020-06-09. Review status: criteria provided, single submitter. Criteria: GeneDx Variant Classification Process June 2021. Collection method: clinical testing. Allele origin: germline. Affected: yes.
Comment: In silico analysis supports that this missense variant does not alter protein structure/function; Has not been previously published as pathogenic or benign to our knowledge

Eurofins Ntd Llc (ga)
Classification: Uncertain significance. Last evaluated: 2016-11-09. Review status: criteria provided, single submitter. Criteria: EGL Classification Definitions 2015. Collection method: clinical testing. Allele origin: germline. Observed: 1 variant allele, 1 heterozygote.

NM_001849.4(COL6A2):c.139G>A (p.Val47Met)

Gene: COL6A2 (collagen type VI alpha 2 chain; plus strand). Cytogenetic location: 21q22.3.
Variant type: single nucleotide variant.
Coding change: c.139G>A on transcript NM_001849.4 (MANE Select); coding-DNA position 139, G replaced by A.
Protein change: p.Val47Met; replaces valine 47 with methionine.
Molecular consequence: missense variant.
Genome position (GRCh38, 1-based): chr21:46,112,002, G>A. VCF-style: chr21-46112002-G-A. GRCh37 (hg19) VCF-style: chr21-47531916-G-A.
Other names: c.139G>A, p.Val47Met (NM_058174.3, NM_058175.3); short protein forms V47M.
Identifiers: ClinVar variation 498068 (VCV000498068.21), dbSNP rs370171967, ClinGen allele CA10071219.